The following is an entry in ClinVar:

NM_024422.6(DSC2):c.475-13A>G

Gene: DSC2 (desmocollin 2; minus strand). Cytogenetic location: 18q12.1.
Variant type: single nucleotide variant.
Coding change: c.475-13A>G on transcript NM_024422.6 (MANE Select); 13 bases into the intron before coding-DNA position 475, A replaced by G.
Molecular consequence: intron variant.
Genome position (GRCh38, 1-based): chr18:31,089,607, T>C on the plus strand (A>G on the coding strand, the complement: DSC2 is on the minus strand). VCF-style: chr18-31089607-T-C. GRCh37 (hg19) VCF-style: chr18-28669570-T-C.
Other names: c.475-13A>G (NM_004949.5).
Identifiers: ClinVar variation 889857 (VCV000889857.16), dbSNP rs751631188, ClinGen allele CA038550.

ClinVar aggregate classification (germline): Conflicting classifications of pathogenicity. Review status: criteria provided, conflicting classifications (1 of 4 stars). 7 submissions from 7 submitters: Uncertain significance (1); Likely benign (4). 2 of the submissions do not count toward it. Last evaluated 2025-09-15.

Conditions:
Familial isolated arrhythmogenic right ventricular dysplasia. Identifiers: Orphanet 217656, MedGen C4274968, MONDO:0016342.
Cardiomyopathy (CMYO). Also called: Cardiomyopathies. Identifiers: Orphanet 167848, MedGen C0878544, MONDO:0004994, HP:0001638. Inheritance: Various modes of inheritance.
Arrhythmogenic right ventricular dysplasia 11. Also called: Arrhythmogenic Right Ventricular Dysplasia/Cardiomyopathy11; Arrhythmogenic right ventricular dysplasia 11 with mild palmoplantar keratoderma and woolly hair; ARRHYTHMOGENIC RIGHT VENTRICULAR DYSPLASIA, FAMILIAL, 11. Identifiers: MedGen C1864850, MONDO:0012506, OMIM 610476.

Allele frequency attached by ClinVar (database versions not stated): gnomAD exomes below 0.00001 and 0.00002; ExAC 0.00001; TOPMed 0.00001.
gnomAD v4.1: 26 of 1,611,128 alleles (0.0016%); highest among the groups gnomAD compares: Non-Finnish European, 0.0021%; no homozygotes.

Submissions (7):

Labcorp Genetics (formerly Invitae), Labcorp
Classification: Likely benign for Arrhythmogenic right ventricular dysplasia 11. Last evaluated: 2025-09-15. Review status: criteria provided, single submitter. Criteria: Invitae Variant Classification Sherloc (09022015). Collection method: clinical testing. Allele origin: germline.

All of Us Research Program, National Institutes of Health
Classification: Likely benign for Familial isolated arrhythmogenic right ventricular dysplasia. Last evaluated: 2024-01-08. Review status: criteria provided, single submitter. Criteria: ACMG Guidelines, 2015. Collection method: clinical testing. Allele origin: germline. Inheritance: Autosomal dominant inheritance. Observed: 4 variant alleles, 4 heterozygotes.
Comment: This study involves interpretation of variants in research participants for the purpose of population health screening. Participant phenotype was not available at the time of variant classification. Additional details can be found in publication PMID: 35346344, PMCID: PMC8962531

Blueprint Genetics
Classification: Likely benign. Last evaluated: 2021-07-13. Review status: criteria provided, single submitter. Criteria: ACMG Guidelines, 2015. Collection method: clinical testing. Allele origin: germline.

Color Diagnostics, LLC DBA Color Health
Classification: Likely benign for Cardiomyopathy. Last evaluated: 2019-06-22. Review status: criteria provided, single submitter. Criteria: ACMG Guidelines, 2015. Collection method: clinical testing. Allele origin: germline.

Illumina Laboratory Services, Illumina
Classification: Uncertain significance for Arrhythmogenic right ventricular dysplasia 11. Last evaluated: 2018-01-13. Review status: criteria provided, single submitter. Criteria: ICSL Variant Classification Criteria 13 December 2019. Collection method: clinical testing. Allele origin: germline.

Clinical Genetics, Academic Medical Center
Classification: Benign. Review status: no assertion criteria provided. Collection method: clinical testing. Allele origin: germline. Affected: yes. Study: VKGL Data-share Consensus. Not counted in ClinVar's aggregate classification.

Joint Genome Diagnostic Labs from Nijmegen and Maastricht, Radboudumc and MUMC+
Classification: Likely benign. Review status: no assertion criteria provided. Collection method: clinical testing. Allele origin: germline. Affected: yes. Study: VKGL Data-share Consensus. Not counted in ClinVar's aggregate classification.